The following is an entry in ClinVar:

ClinVar aggregate classification (germline): Uncertain significance (1 of 4 stars; one submission).

Conditions:
Developmental and epileptic encephalopathy 94 (DEE94). Also called: CHD2-Related Neurodevelopmental Disorders; Epileptic encephalopathy, childhood-onset. Identifiers: Orphanet 1942, Orphanet 2382, MedGen C3809278, MONDO:0014150, OMIM 615369.

Submission:

Labcorp Genetics (formerly Invitae), Labcorp
Classification: Uncertain significance for Developmental and epileptic encephalopathy 94. Last evaluated: 2025-03-19. Review status: criteria provided, single submitter. Criteria: Invitae Variant Classification Sherloc (09022015). Collection method: clinical testing. Allele origin: germline.
Comment: This sequence change replaces tyrosine, which is neutral and polar, with serine, which is neutral and polar, at codon 1670 of the CHD2 protein (p.Tyr1670Ser). Information on the frequency of this variant in the gnomAD database is not available, as this variant may be reported differently in the database. This variant has not been reported in the literature in individuals affected with CHD2-related conditions. An algorithm developed to predict the effect of missense changes on protein structure and function (PolyPhen-2) suggests that this variant is likely to be tolerated. In summary, the available evidence is currently insufficient to determine the role of this variant in disease. Therefore, it has been classified as a Variant of Uncertain Significance.

NM_001271.4(CHD2):c.5009_5010delinsCA (p.Tyr1670Ser)

Gene: CHD2 (chromodomain helicase DNA binding protein 2; plus strand). Cytogenetic location: 15q26.1.
Variant type: Indel.
Coding change: c.5009_5010delinsCA on transcript NM_001271.4 (MANE Select); coding-DNA positions 5009 to 5010, AC replaced by CA.
Protein change: p.Tyr1670Ser; replaces tyrosine 1670 with serine.
Molecular consequence: missense variant.
Genome position (GRCh38, 1-based): chr15:93,020,114-93,020,115, AC replaced by CA. VCF-style: chr15-93020114-AC-CA. GRCh37 (hg19) VCF-style: chr15-93563344-AC-CA.
Other names: short protein forms Y1670S.
Identifiers: ClinVar variation 4715027 (VCV004715027.1).